The following is an entry in ClinVar:

ClinVar aggregate classification (germline): Uncertain significance. Review status: criteria provided, multiple submitters, no conflicts (2 of 4 stars). 3 submissions from 3 submitters: Uncertain significance (3). Last evaluated 2025-06-04.

Conditions:
Breast-ovarian cancer, familial, susceptibility to, 4. Identifiers: Orphanet 145, MedGen C3280345, MONDO:0013669, OMIM 614291.
Hereditary cancer-predisposing syndrome. Also called: Neoplastic Syndromes, Hereditary; Tumor predisposition; Hereditary neoplastic syndrome; Hereditary Cancer Syndrome. Identifiers: Orphanet 140162, MedGen C0027672, MeSH D009386, MONDO:0015356.

Submissions (3):

Labcorp Genetics (formerly Invitae), Labcorp
Classification: Uncertain significance for Breast-ovarian cancer, familial, susceptibility to, 4. Last evaluated: 2025-06-04. Review status: criteria provided, single submitter. Criteria: Invitae Variant Classification Sherloc (09022015). Collection method: clinical testing. Allele origin: germline.
Comment: This sequence change replaces glycine, which is neutral and non-polar, with aspartic acid, which is acidic and polar, at codon 108 of the RAD51D protein (p.Gly108Asp). This variant is not present in population databases (gnomAD no frequency). This variant has not been reported in the literature in individuals affected with RAD51D-related conditions. ClinVar contains an entry for this variant (Variation ID: 964158). Invitae Evidence Modeling of protein sequence and biophysical properties (such as structural, functional, and spatial information, amino acid conservation, physicochemical variation, residue mobility, and thermodynamic stability) indicates that this missense variant is not expected to disrupt RAD51D protein function with a negative predictive value of 80%. In summary, the available evidence is currently insufficient to determine the role of this variant in disease. Therefore, it has been classified as a Variant of Uncertain Significance.

Ambry Genetics
Classification: Uncertain significance for Hereditary cancer-predisposing syndrome. Last evaluated: 2023-08-30. Review status: criteria provided, single submitter. Criteria: Ambry Variant Classification Scheme 2023. Collection method: clinical testing. Allele origin: germline.
Comment: The p.G108D variant (also known as c.323G>A), located in coding exon 4 of the RAD51D gene, results from a G to A substitution at nucleotide position 323. The glycine at codon 108 is replaced by aspartic acid, an amino acid with similar properties. This amino acid position is conserved. In addition, this alteration is predicted to be tolerated by in silico analysis. Since supporting evidence is limited at this time, the clinical significance of this alteration remains unclear.

Blueprint Genetics
Classification: Uncertain significance. Last evaluated: 2021-05-01. Review status: criteria provided, single submitter. Criteria: ACMG Guidelines, 2015. Collection method: clinical testing. Allele origin: germline.

NM_002878.4(RAD51D):c.323G>A (p.Gly108Asp)

Genes: RAD51L3-RFFL (RAD51L3-RFFL readthrough; minus strand), RAD51D (RAD51 paralog D; minus strand). Cytogenetic location: 17q12.
Variant type: single nucleotide variant.
Coding change: c.323G>A on transcript NM_002878.4 (MANE Select); coding-DNA position 323, G replaced by A.
Protein change: p.Gly108Asp; replaces glycine 108 with aspartic acid.
Molecular consequence: missense variant. On other transcripts: non-coding transcript variant (2), intron variant (1).
Genome position (GRCh38, 1-based): chr17:35,107,388, C>T on the plus strand (G>A on the coding strand, the complement: RAD51D is on the minus strand). VCF-style: chr17-35107388-C-T. GRCh37 (hg19) VCF-style: chr17-33434407-C-T.
Other names: c.383G>A, p.Gly128Asp (NM_001142571.2); c.145-907G>A (NM_133629.3); short protein forms G128D, G108D.
Identifiers: ClinVar variation 964158 (VCV000964158.12), dbSNP rs2091620533, ClinGen allele CA399089919.
Genomic context (GRCh38, chr17:35,107,388, plus strand): 5'-CACCCCTAAATCCTCCTGACTGCTGGCCTCACATGTACCTGAGTTTTGCCGCTACCTGGG[C>T]CTCCTACAATTTCAGTCACTTCTCCAGTATAGAGACCAGCATCAAGCAGTTTATCAAGAC-3'
Protein context (NP_002869.3, residues 98-118): YTGEVTEIVG[Gly108Asp]PGSGKTQVCL